The following is an entry in ClinVar:

ClinVar aggregate classification (germline): Likely benign. Review status: criteria provided, multiple submitters, no conflicts (2 of 4 stars). 2 submissions from 2 submitters: Likely benign (2). Last evaluated 2025-08-13.

Allele frequency attached by ClinVar (database versions not stated): gnomAD exomes 0.00001; gnomAD 0.00004; ExAC 0.00005; TOPMed 0.00009.
gnomAD v4.1: 68 of 1,543,738 alleles (0.0044%); highest among the groups gnomAD compares: East Asian, 0.034%; no homozygotes.

Submissions (2):

Labcorp Genetics (formerly Invitae), Labcorp
Classification: Likely benign. Last evaluated: 2025-08-13. Review status: criteria provided, single submitter. Criteria: Invitae Variant Classification Sherloc (09022015). Collection method: clinical testing. Allele origin: germline.

CeGaT Center for Human Genetics Tuebingen
Classification: Likely benign. Last evaluated: 2023-02-01. Review status: criteria provided, single submitter. Criteria: CeGaT Center For Human Genetics Tuebingen Variant Classification Criteria Version 2. Collection method: clinical testing. Allele origin: germline. Affected: yes. Observed: 1 variant allele.
Comment: CPAMD8: BP4, BP7

NM_015692.5(CPAMD8):c.3621G>A (p.Gly1207=)

Gene: CPAMD8 (C3 and PZP like alpha-2-macroglobulin domain containing 8; minus strand). Cytogenetic location: 19p13.11.
Variant type: single nucleotide variant.
Coding change: c.3621G>A on transcript NM_015692.5 (MANE Select); coding-DNA position 3621, G replaced by A.
Protein change: p.Gly1207=; no amino-acid change (glycine 1207 retained).
Molecular consequence: synonymous variant.
Genome position (GRCh38, 1-based): chr19:16,921,913, C>T on the plus strand (G>A on the coding strand, the complement: CPAMD8 is on the minus strand). VCF-style: chr19-16921913-C-T. GRCh37 (hg19) VCF-style: chr19-17032723-C-T.
Identifiers: ClinVar variation 2649525 (VCV002649525.26), dbSNP rs372144870, ClinGen allele CA9284934.